The following is an entry in ClinVar:

NM_030665.4(RAI1):c.2868T>G (p.Pro956=)

Gene: RAI1 (retinoic acid induced 1; plus strand). Cytogenetic location: 17p11.2.
Variant type: single nucleotide variant.
Coding change: c.2868T>G on transcript NM_030665.4 (MANE Select); coding-DNA position 2868, T replaced by G.
Protein change: p.Pro956=; no amino-acid change (proline 956 retained).
Molecular consequence: synonymous variant.
Genome position (GRCh38, 1-based): chr17:17,795,816, T>G. VCF-style: chr17-17795816-T-G. GRCh37 (hg19) VCF-style: chr17-17699130-T-G.
Identifiers: ClinVar variation 3356516 (VCV003356516.1).

ClinVar aggregate classification (germline): Likely benign (0 of 4 stars; one submission).

Conditions:
RAI1-related disorder. Also called: RAI1-related condition.

gnomAD v4.1: 9 of 1,613,580 alleles (0.00056%); highest among the groups gnomAD compares: East Asian, 0.02%; no homozygotes.

Submission:

PreventionGenetics, part of Exact Sciences
Classification: Likely benign for RAI1-related condition. Last evaluated: 2023-06-28. Review status: no assertion criteria provided. Collection method: clinical testing. Allele origin: germline.
Comment: This variant is classified as likely benign based on ACMG/AMP sequence variant interpretation guidelines (Richards et al. 2015 PMID: 25741868, with internal and published modifications).